The following is an entry in ClinVar:

ClinVar aggregate classification (germline): Uncertain significance (1 of 4 stars; one submission).

Allele frequency attached by ClinVar (database versions not stated): gnomAD exomes below 0.00001.
gnomAD v4.1: 2 of 1,594,040 alleles (0.00013%); highest among the groups gnomAD compares: South Asian, 0.0023%; no homozygotes.

Submission:

Ambry Genetics
Classification: Uncertain significance. Last evaluated: 2023-12-16. Review status: criteria provided, single submitter. Criteria: Ambry Variant Classification Scheme 2023. Collection method: clinical testing. Allele origin: germline.
Comment: The p.S156G variant (also known as c.466A>G), located in coding exon 1 of the TERF2IP gene, results from an A to G substitution at nucleotide position 466. The serine at codon 156 is replaced by glycine, an amino acid with similar properties. This amino acid position is conserved. In addition, this alteration is predicted to be tolerated by in silico analysis. Since supporting evidence is limited at this time, the clinical significance of this alteration remains unclear.

NM_018975.4(TERF2IP):c.466A>G (p.Ser156Gly)

Gene: TERF2IP (TERF2 interacting protein; plus strand). Cytogenetic location: 16q23.1.
Variant type: single nucleotide variant.
Coding change: c.466A>G on transcript NM_018975.4 (MANE Select); coding-DNA position 466, A replaced by G.
Protein change: p.Ser156Gly; replaces serine 156 with glycine.
Molecular consequence: missense variant. On other transcripts: non-coding transcript variant (1).
Genome position (GRCh38, 1-based): chr16:75,648,348, A>G. VCF-style: chr16-75648348-A-G. GRCh37 (hg19) VCF-style: chr16-75682246-A-G.
Other names: short protein forms S156G.
Identifiers: ClinVar variation 1742295 (VCV001742295.2), dbSNP rs2507074348, ClinGen allele CA396817962.